The following is an entry in ClinVar:

ClinVar aggregate classification (germline): Uncertain significance (1 of 4 stars; one submission).

Conditions:
Charcot-Marie-Tooth disease axonal type 2S. Also called: CHARCOT-MARIE-TOOTH NEUROPATHY, TYPE 2S; CHARCOT-MARIE-TOOTH DISEASE, AXONAL, AUTOSOMAL RECESSIVE, TYPE 2S. Identifiers: Orphanet 443073, MedGen C4015349, MONDO:0014511, OMIM 616155.
Autosomal recessive distal spinal muscular atrophy 1. Also called: Spinal muscular atrophy with respiratory distress 1; HMN VI; NEURONOPATHY, DISTAL HEREDITARY MOTOR, HARDING TYPE VI; NEUROPATHY, DISTAL HEREDITARY MOTOR, AUTOSOMAL RECESSIVE 1; NEURONOPATHY, SEVERE INFANTILE AXONAL, WITH RESPIRATORY FAILURE; SEVERE INFANTILE AXONAL NEUROPATHY WITH RESPIRATORY FAILURE. Identifiers: Orphanet 98920, MedGen C1858517, MONDO:0011436, OMIM 604320.

Allele frequency attached by ClinVar (database versions not stated): gnomAD exomes below 0.00001 and 0.00001; TOPMed below 0.00001; gnomAD 0.00001.

Submission:

Labcorp Genetics (formerly Invitae), Labcorp
Classification: Uncertain significance for Autosomal recessive distal spinal muscular atrophy 1; Charcot-Marie-Tooth disease axonal type 2S. Last evaluated: 2024-01-02. Review status: criteria provided, single submitter. Criteria: Invitae Variant Classification Sherloc (09022015). Collection method: clinical testing. Allele origin: germline.
Comment: This variant, c.2460_2474dup, results in the insertion of 5 amino acid(s) of the IGHMBP2 protein (p.Glu821_Pro825dup), but otherwise preserves the integrity of the reading frame. This variant is present in population databases (no rsID available, gnomAD 0.001%). This variant has not been reported in the literature in individuals affected with IGHMBP2-related conditions. ClinVar contains an entry for this variant (Variation ID: 1055231). Experimental studies and prediction algorithms are not available or were not evaluated, and the functional significance of this variant is currently unknown. In summary, the available evidence is currently insufficient to determine the role of this variant in disease. Therefore, it has been classified as a Variant of Uncertain Significance.

NM_002180.3(IGHMBP2):c.2460_2474dup (p.Glu821_Pro825dup)

Gene: IGHMBP2 (immunoglobulin mu DNA binding protein 2; plus strand). Cytogenetic location: 11q13.3.
Variant type: Duplication.
Coding change: c.2460_2474dup on transcript NM_002180.3 (MANE Select); coding-DNA positions 2460 to 2474, 15 bases duplicated (GGAGCAGCGTGGCCC).
Protein change: p.Glu821_Pro825dup.
Molecular consequence: inframe insertion.
Genome position (GRCh38, 1-based): chr11:68,936,940-68,936,954, GGAGCAGCGTGGCCC duplicated. VCF-style (leftmost placement, unchanged base first): chr11-68936939-G-GGGAGCAGCGTGGCCC. GRCh37 (hg19) VCF-style: chr11-68704407-G-GGGAGCAGCGTGGCCC.
Identifiers: ClinVar variation 1055231 (VCV001055231.7), dbSNP rs1267983821, ClinGen allele CA599992439.